The following is an entry in ClinVar:

ClinVar aggregate classification (germline): Uncertain significance (1 of 4 stars; one submission).

Conditions:
POLD1-related polyposis and colorectal cancer syndrome (CRCS10). Also called: Colorectal cancer 10; COLORECTAL CANCER, SUSCEPTIBILITY TO, ON CHROMOSOME 19q; Colorectal cancer, susceptibility to, 10. Identifiers: Orphanet 220460, MedGen C2675481, MONDO:0012953, OMIM 612591.

Submission:

Labcorp Genetics (formerly Invitae), Labcorp
Classification: Uncertain significance for POLD1-related polyposis and colorectal cancer syndrome. Last evaluated: 2024-11-05. Review status: criteria provided, single submitter. Criteria: Invitae Variant Classification Sherloc (09022015). Collection method: clinical testing. Allele origin: germline.
Comment: This sequence change replaces glutamic acid, which is acidic and polar, with aspartic acid, which is acidic and polar, at codon 196 of the POLD1 protein (p.Glu196Asp). This variant is not present in population databases (gnomAD no frequency). This variant has not been reported in the literature in individuals affected with POLD1-related conditions. An algorithm developed to predict the effect of missense changes on protein structure and function (PolyPhen-2) suggests that this variant is likely to be tolerated. In summary, the available evidence is currently insufficient to determine the role of this variant in disease. Therefore, it has been classified as a Variant of Uncertain Significance.

NM_002691.4(POLD1):c.588G>C (p.Glu196Asp)

Gene: POLD1 (DNA polymerase delta 1, catalytic subunit; plus strand). Cytogenetic location: 19q13.33.
Variant type: single nucleotide variant.
Coding change: c.588G>C on transcript NM_002691.4 (MANE Select); coding-DNA position 588, G replaced by C.
Protein change: p.Glu196Asp; replaces glutamic acid 196 with aspartic acid.
Molecular consequence: missense variant. On other transcripts: non-coding transcript variant (1).
Genome position (GRCh38, 1-based): chr19:50,402,123, G>C. VCF-style: chr19-50402123-G-C. GRCh37 (hg19) VCF-style: chr19-50905380-G-C.
Other names: c.588G>C, p.Glu196Asp (NM_001256849.1, NM_001308632.1); short protein forms E196D.
Identifiers: ClinVar variation 3625882 (VCV003625882.2).